The following is an entry in ClinVar:

NC_000004.11:g.(?_121616266)_(121675813_?)del

Gene: PRDM5 (PR/SET domain 5; minus strand). Cytogenetic location: 4q27.
Variant type: Deletion.
Identifiers: ClinVar variation 1441158 (VCV001441158.3).

ClinVar aggregate classification (germline): Uncertain significance (1 of 4 stars; one submission).

Submission:

Labcorp Genetics (formerly Invitae), Labcorp
Classification: Uncertain significance. Last evaluated: 2021-07-26. Review status: criteria provided, single submitter. Criteria: Invitae Variant Classification Sherloc (09022015). Collection method: clinical testing. Allele origin: germline.
Comment: This variant is a gross deletion of the genomic region encompassing exon(s) 14-16 of the PRDM5 gene. The 5' boundary is likely confined to intron 13. The 3' end of this event is unknown as it extends through the termination codon beyond the assayed region for this gene and may encompass additional genes. While this deletion is not anticipated to lead to nonsense mediated decay, it is expected to alter mRNA translation or result in a truncated protein product. This variant has not been reported in the literature in individuals affected with PRDM5-related conditions. Experimental studies and prediction algorithms are not available or were not evaluated, and the functional significance of this variant is currently unknown. In summary, the available evidence is currently insufficient to determine the role of this variant in disease. Therefore, it has been classified as a Variant of Uncertain Significance.